The following is an entry in ClinVar:

ClinVar aggregate classification (germline): Uncertain significance (1 of 4 stars; one submission).

gnomAD v4.1: 15 of 1,614,206 alleles (0.00093%); highest among the groups gnomAD compares: Non-Finnish European, 0.0012%; no homozygotes.

Submission:

GeneDx
Classification: Uncertain significance. Last evaluated: 2023-12-27. Review status: criteria provided, single submitter. Criteria: GeneDx Variant Classification Process June 2021. Collection method: clinical testing. Allele origin: germline. Affected: yes.
Comment: Not observed at significant frequency in large population cohorts (gnomAD); In silico analysis supports that this variant does not alter splicing; Has not been previously published as pathogenic or benign to our knowledge

NM_006294.5(UQCRB):c.19+4A>G

Genes: UQCRB (ubiquinol-cytochrome c reductase binding protein; minus strand), UQCRB-AS1 (UQCRB antisense RNA 1; plus strand), LOC130000789 (ATAC-STARR-seq lymphoblastoid active region 27659; plus strand). Cytogenetic location: 8q22.1.
Variant type: single nucleotide variant.
Coding change: c.19+4A>G on transcript NM_006294.5 (MANE Select); 4 bases into the intron after coding-DNA position 19, A replaced by G.
Molecular consequence: intron variant. On other transcripts: non-coding transcript variant (2).
Genome position (GRCh38, 1-based): chr8:96,235,508, T>C on the plus strand (A>G on the coding strand, the complement: UQCRB is on the minus strand). VCF-style: chr8-96235508-T-C. GRCh37 (hg19) VCF-style: chr8-97247736-T-C.
Other names: c.19+4A>G (NM_001254752.2); c.-192+4A>G (NM_001199975.3).
Identifiers: ClinVar variation 3370089 (VCV003370089.1).